The following is an entry in ClinVar:

NM_001276345.2(TNNT2):c.302A>T (p.His101Leu)

Gene: TNNT2 (troponin T2, cardiac type; minus strand). Cytogenetic location: 1q32.1.
Variant type: single nucleotide variant.
Coding change: c.302A>T on transcript NM_001276345.2 (MANE Select); coding-DNA position 302, A replaced by T.
Protein change: p.His101Leu; replaces histidine 101 with leucine.
Molecular consequence: missense variant. On other transcripts: intron variant (1).
Genome position (GRCh38, 1-based): chr1:201,365,300, T>A on the plus strand (A>T on the coding strand, the complement: TNNT2 is on the minus strand). VCF-style: chr1-201365300-T-A. GRCh37 (hg19) VCF-style: chr1-201334428-T-A.
Other names: c.302A>T, p.His101Leu (NM_000364.4); c.272A>T, p.His91Leu (NM_001001430.3, NM_001001431.3, NM_001276347.2); c.257A>T, p.His86Leu (NM_001001432.3); c.291+310A>T (NM_001276346.2); short protein forms H91L, H101L, H86L.
Identifiers: ClinVar variation 537259 (VCV000537259.10), dbSNP rs1553282617, ClinGen allele CA344206589.

ClinVar aggregate classification (germline): Uncertain significance. Review status: criteria provided, multiple submitters, no conflicts (2 of 4 stars). 2 submissions from 2 submitters: Uncertain significance (2). Last evaluated 2025-05-26.

Conditions:
Cardiomyopathy, familial restrictive, 3. Identifiers: Orphanet 75249, MedGen C2676271, MONDO:0012900, OMIM 612422.
Hypertrophic cardiomyopathy 2. Also called: TNNT2-Related Familial Hypertrophic Cardiomyopathy. Identifiers: MedGen C1861864, MONDO:0007266, OMIM 115195.
Dilated cardiomyopathy 1D. Identifiers: Orphanet 154, Orphanet 54260, MedGen C1832243, MONDO:0011095, OMIM 601494.

Submissions (2):

Dasa
Classification: Uncertain significance. Last evaluated: 2025-05-26. Review status: criteria provided, single submitter. Criteria: DASA Assertion Criteria. Collection method: clinical testing. Allele origin: germline.
Comment: NM_001276345.2(TNNT2):c.302A>T (p.His101Leu) is a missense variant that results in the substitution of histidine with leucine. This variant is absent from population databases. Computational prediction algorithms are consistent with a deleterious effect. The currently available literature and clinical evidence are not sufficient to establish a definitive association between this variant and the reported condition. Therefore, this variant is classified as a variant of uncertain significance.

Labcorp Genetics (formerly Invitae), Labcorp
Classification: Uncertain significance for Cardiomyopathy, familial restrictive, 3; Hypertrophic cardiomyopathy 2; Dilated cardiomyopathy 1D. Last evaluated: 2017-11-28. Review status: criteria provided, single submitter. Criteria: Invitae Variant Classification Sherloc (09022015). Collection method: clinical testing. Allele origin: germline.
Comment: In summary, the available evidence is currently insufficient to determine the role of this variant in disease. Therefore, it has been classified as a Variant of Uncertain Significance. This sequence change replaces histidine with leucine at codon 91 of the TNNT2 protein (p.His91Leu). The histidine residue is highly conserved and there is a moderate physicochemical difference between histidine and leucine. This variant is not present in population databases (ExAC no frequency). This variant has not been reported in the literature in individuals with TNNT2-related disease. A computational algorithm designed to assess the pathogenicity of variants in TNNT2 with regard to hypertrophic cardiomyopathy predicted this sequence change to be deleterious. The algorithm has a sensitivity of 94% and a specificity of 89% (PMID: 21310275).

Literature cited by the submitters: PubMed 21310275 (cited by Labcorp Genetics (formerly Invitae), Labcorp).